The following is an entry in ClinVar:

ClinVar aggregate classification (germline): Likely pathogenic. Review status: reviewed by expert panel (3 of 4 stars). 2 submissions from 2 submitters: Likely pathogenic (1). 1 of the submissions does not count toward it. Last evaluated 2026-09-26.

Conditions:
Juvenile retinoschisis (RS1). Also called: X-Linked Juvenile Retinoschisis; X-linked retinoschisis. Identifiers: Orphanet 792, MedGen C3714753, MONDO:0010725, OMIM 312700.

Submissions (2):

ClinGen X-linked Inherited Retinal Disease Variant Curation Expert Panel, ClinGen
Classification: Likely pathogenic for Juvenile retinoschisis. Last evaluated: 2026-09-26. Review status: reviewed by expert panel. Criteria: ClinGen X LinkedIRD ACMG Specifications RS1 V1.0.0. Collection method: curation. Allele origin: germline. Inheritance: X-linked inheritance.
Comment: The NM_000330.4(RS1):c.575C>G (p.Pro192Arg) variant is a missense variant encoding the substitution of Proline and Arginine at amino acid 192. This variant is absent from hemizygous individuals in gnomAD v4.1.0 (PM2_Supporting). The computational predictor REVEL gives a score of 0.942, which is above the ClinGen X-linked IRD VCEP threshold of >0.932 and predicts a damaging effect on RS1 function (PP3_strong). The computational splicing predictor SpliceAI gives a delta score of 0.00 for all predictive splice changes, which is below the ClinGen X-linked IRD VCEP threshold of >0.2 and does not predict that the variant disrupts RS1 splicing. Another missense variant in the same codon, NM_000330.4(RS1):c.574C>T (p.Pro192Ser), (PMIDs: 9326935, 10636421, 17987333, 19093009, 28348004, 30551202, 30652005, 34828422, 39293640, 17515881, 20809529) and NM_000330.4(RS1):c.575C>T (p.Pro192Leu), (PMIDs: 19093009, 19324861, 28348004, 33124204, 36460718, 32300273) has been classified as pathogenic for X-linked retinoschisis by the ClinGen X-linked IRD VCEP, while no benign missense variants have been identified in this codon. The present variant has a higher Grantham’s distance (103) than the comparison variant (98 / 74), and SpliceAI has been used to confirm that neither variant has a predicted impact on RS1 splicing (PM5). This variant has been reported in at least 2 apparently unrelated probands meeting one of the PS4 requirements of a male diagnosed with XLRS (PMIDs: 9618178, 37396901, DOI: 10.5772/24453, PS4_Supporting). In summary, this variant is classified as likely pathogenic for X-linked retinoschisis based on the ClinGen X-linked Inherited Retinal Disease Expert Panel Specifications to the ACMG/AMP Variant Interpretation Guidelines for RS1 Version 1.0.0: PM2_Supporting, PP3_Strong, PM5, and PS4_Supporting.

Retina International
No classification provided. Review status: no classification provided. Collection method: not provided. Allele origin: unknown. Not counted in ClinVar's aggregate classification.

NM_000330.4(RS1):c.575C>G (p.Pro192Arg)

Genes: CDKL5 (cyclin dependent kinase like 5; plus strand), RS1 (retinoschisin 1; minus strand). Cytogenetic location: Xp22.13.
Variant type: single nucleotide variant.
Coding change: c.575C>G on transcript NM_000330.4 (MANE Select); coding-DNA position 575, C replaced by G.
Protein change: p.Pro192Arg; replaces proline 192 with arginine.
Molecular consequence: missense variant. On other transcripts: intron variant (2).
Genome position (GRCh38, 1-based): chrX:18,642,104, G>C on the plus strand (C>G on the coding strand, the complement: RS1 is on the minus strand). VCF-style: chrX-18642104-G-C. GRCh37 (hg19) VCF-style: chrX-18660224-G-C.
Other names: NM_000330.4(RS1):c.575C>G; c.2714-3903G>C (NM_003159.3, NM_001037343.2); short protein forms P192R.
Identifiers: ClinVar variation 98991 (VCV000098991.4), dbSNP rs61753175, ClinGen allele CA226789.